The following is an entry in ClinVar:

NM_000080.4(CHRNE):c.878_887dup (p.Thr297fs)

Genes: C17orf107 (chromosome 17 open reading frame 107; plus strand), CHRNE (cholinergic receptor nicotinic epsilon subunit; minus strand). Cytogenetic location: 17p13.2.
Variant type: Duplication.
Coding change: c.878_887dup on transcript NM_000080.4 (MANE Select); coding-DNA positions 878 to 887, 10 bases duplicated (AAATCCCAGA; older notation c.878_887dupAAATCCCAGA).
Protein change: p.Thr297fs; shifts the reading frame from threonine 297.
Molecular consequence: frameshift variant. On other transcripts: 3 prime UTR variant (1).
Genome position (GRCh38, 1-based): chr17:4,900,823-4,900,832, TCTGGGATTT duplicated on the plus strand (AAATCCCAGA on the coding strand, the reverse complement: CHRNE is on the minus strand); duplicating any 10 consecutive bases within chr17:4,900,823-4,900,838 gives the same sequence; the c. name uses the placement nearest the transcript's 3' end. VCF-style (leftmost placement, unchanged base first): chr17-4900822-C-CTCTGGGATTT. GRCh37 (hg19) VCF-style: chr17-4804117-C-CTCTGGGATTT.
Other names: c.*296_*305dup (NM_001145536.2); short protein forms T297fs.
Identifiers: ClinVar variation 2680786 (VCV002680786.2), dbSNP rs2507553027, ClinGen allele CA2695201224.

ClinVar aggregate classification (germline): Pathogenic. Review status: criteria provided, multiple submitters, no conflicts (2 of 4 stars). 2 submissions from 2 submitters: Pathogenic (2). Last evaluated 2024-04-18.

Conditions:
Congenital myasthenic syndrome 4A. Also called: CONGENITAL MYASTHENIC SYNDROME TYPE Ia1; Myasthenic syndrome, congenital, 4a, slow-channel; MYASTHENIC SYNDROME, CONGENITAL, 4A, SLOW-CHANNEL, AUTOSOMAL RECESSIVE. Identifiers: Orphanet 590, MedGen C4225413, MONDO:0011600, OMIM 605809.

Submissions (2):

GeneDx
Classification: Pathogenic. Last evaluated: 2024-04-18. Review status: criteria provided, single submitter. Criteria: GeneDx Variant Classification Process June 2021. Collection method: clinical testing. Allele origin: germline. Affected: yes.
Comment: Frameshift variant predicted to result in protein truncation or nonsense mediated decay in a gene for which loss of function is a known mechanism of disease; Not observed at significant frequency in large population cohorts (gnomAD); This variant is associated with the following publications: (PMID: 31069529)

Baylor Genetics
Classification: Pathogenic for Congenital myasthenic syndrome 4A. Last evaluated: 2023-06-20. Review status: criteria provided, single submitter. Criteria: ACMG Guidelines, 2015. Collection method: clinical testing. Allele origin: unknown.